The following is an entry in ClinVar:

ClinVar aggregate classification (germline): Conflicting classifications of pathogenicity. Review status: criteria provided, conflicting classifications (1 of 4 stars). 3 submissions from 3 submitters: Uncertain significance (1); Benign (1); Likely benign (1). Last evaluated 2025-10-16.

Conditions:
Inborn genetic diseases. Identifiers: MedGen C0950123, MeSH D030342.

Allele frequency attached by ClinVar (database versions not stated): gnomAD exomes 0.00001; gnomAD 0.00007 and 0.00008; TOPMed 0.00007.
gnomAD v4.1: 106 of 1,208,731 alleles (0.0088%); highest among the groups gnomAD compares: Non-Finnish European, 0.011%; no homozygotes.

Submissions (3):

Labcorp Genetics (formerly Invitae), Labcorp
Classification: Benign. Last evaluated: 2025-10-16. Review status: criteria provided, single submitter. Criteria: Invitae Variant Classification Sherloc (09022015). Collection method: clinical testing. Allele origin: germline.

Ambry Genetics
Classification: Uncertain significance for Inborn genetic diseases. Last evaluated: 2022-10-03. Review status: criteria provided, single submitter. Criteria: Ambry Variant Classification Scheme 2023. Collection method: clinical testing. Allele origin: germline.

GeneDx
Classification: Likely benign. Last evaluated: 2020-02-18. Review status: criteria provided, single submitter. Criteria: GeneDx Variant Classification Process June 2021. Collection method: clinical testing. Allele origin: germline. Affected: yes.
Comment: In silico analysis supports that this missense variant does not alter protein structure/function

NM_031407.7(HUWE1):c.6283A>C (p.Thr2095Pro)

Gene: HUWE1 (HECT, UBA and WWE domain containing E3 ubiquitin protein ligase 1; minus strand). Cytogenetic location: Xp11.22.
Variant type: single nucleotide variant.
Coding change: c.6283A>C on transcript NM_031407.7 (MANE Select); coding-DNA position 6283, A replaced by C.
Protein change: p.Thr2095Pro; replaces threonine 2095 with proline.
Molecular consequence: missense variant.
Genome position (GRCh38, 1-based): chrX:53,573,779, T>G on the plus strand (A>C on the coding strand, the complement: HUWE1 is on the minus strand). VCF-style: chrX-53573779-T-G. GRCh37 (hg19) VCF-style: chrX-53600739-T-G.
Other names: short protein forms T2095P.
Identifiers: ClinVar variation 1186633 (VCV001186633.5), dbSNP rs960157635, ClinGen allele CA329194562.
Genomic context (GRCh38, chrX:53,573,779, plus strand): 5'-TAACATCTTAAATAGAAGTTGGAAATATTACCTCTTTGATCAGTTCAGACTGGCCCACAG[T>G]GTAGCTGTAGTTGGCAATCAGGGTAGCAATACCAACATAGGACCTCACCAACTCTGCCAG-3'
Protein context (NP_113584.3, residues 2085-2105): IATLIANYSY[Thr2095Pro]VGQSELIKED